The following is an entry in ClinVar:

ClinVar aggregate classification (germline): Uncertain significance (1 of 4 stars; one submission).

Submission:

Labcorp Genetics (formerly Invitae), Labcorp
Classification: Uncertain significance. Last evaluated: 2022-06-27. Review status: criteria provided, single submitter. Criteria: Invitae Variant Classification Sherloc (09022015). Collection method: clinical testing. Allele origin: germline.
Comment: This sequence change replaces phenylalanine, which is neutral and non-polar, with leucine, which is neutral and non-polar, at codon 21 of the TALDO1 protein (p.Phe21Leu). This variant is not present in population databases (gnomAD no frequency). This variant has not been reported in the literature in individuals affected with TALDO1-related conditions. Algorithms developed to predict the effect of missense changes on protein structure and function (SIFT, PolyPhen-2, Align-GVGD) all suggest that this variant is likely to be tolerated. In summary, the available evidence is currently insufficient to determine the role of this variant in disease. Therefore, it has been classified as a Variant of Uncertain Significance.

NM_006755.2(TALDO1):c.61T>C (p.Phe21Leu)

Gene: TALDO1 (transaldolase 1; plus strand). Cytogenetic location: 11p15.5.
Variant type: single nucleotide variant.
Coding change: c.61T>C on transcript NM_006755.2 (MANE Select); coding-DNA position 61, T replaced by C.
Protein change: p.Phe21Leu; replaces phenylalanine 21 with leucine.
Molecular consequence: missense variant.
Genome position (GRCh38, 1-based): chr11:747,542, T>C. VCF-style: chr11-747542-T-C. GRCh37 (hg19) VCF-style: chr11-747542-T-C.
Other names: short protein forms F21L.
Identifiers: ClinVar variation 1478925 (VCV001478925.3), dbSNP rs149073638, ClinGen allele CA378925011.